The following is an entry in ClinVar:

ClinVar aggregate classification (germline): Uncertain significance (1 of 4 stars; one submission).

Submission:

Women's Health and Genetics/Laboratory Corporation of America, LabCorp
Classification: Uncertain significance. Last evaluated: 2023-04-21. Review status: criteria provided, single submitter. Criteria: LabCorp Variant Classification Summary - May 2015. Collection method: clinical testing. Allele origin: germline.
Comment: Variant summary: C1orf84 c.7903A>C (p.Ile2635Leu) results in a conservative amino acid change in the encoded protein sequence. Five of five in-silico tools predict a benign effect of the variant on protein function. The variant was absent in 251190 control chromosomes (gnomAD). The available data on variant occurrences in the general population are insufficient to allow any conclusion about variant significance. To our knowledge, no occurrence of c.7903A>C in individuals affected with Early Infantile Epileptic Encephalopathy 18 and no experimental evidence demonstrating its impact on protein function have been reported. No clinical diagnostic laboratories have submitted clinical-significance assessments for this variant to ClinVar after 2014. Based on the evidence outlined above, the variant was classified as uncertain significance.

NM_001365999.1(SZT2):c.8074A>C (p.Ile2692Leu)

Gene: SZT2 (SZT2 subunit of KICSTOR complex; plus strand). Cytogenetic location: 1p34.2.
Variant type: single nucleotide variant.
Coding change: c.8074A>C on transcript NM_001365999.1 (MANE Select); coding-DNA position 8074, A replaced by C.
Protein change: p.Ile2692Leu; replaces isoleucine 2692 with leucine.
Molecular consequence: missense variant.
Genome position (GRCh38, 1-based): chr1:43,442,541, A>C. VCF-style: chr1-43442541-A-C. GRCh37 (hg19) VCF-style: chr1-43908212-A-C.
Other names: c.7903A>C, p.Ile2635Leu (NM_015284.4); c.7903A>C (NM_015284.3); short protein forms I2635L, I2692L.
Identifiers: ClinVar variation 2504059 (VCV002504059.1), dbSNP rs2545853628, ClinGen allele CA340037457.